The following is an entry in ClinVar:

NM_001365999.1(SZT2):c.2989G>A (p.Gly997Arg)

Gene: SZT2 (SZT2 subunit of KICSTOR complex; plus strand). Cytogenetic location: 1p34.2.
Variant type: single nucleotide variant.
Coding change: c.2989G>A on transcript NM_001365999.1 (MANE Select); coding-DNA position 2989, G replaced by A.
Protein change: p.Gly997Arg; replaces glycine 997 with arginine.
Molecular consequence: missense variant.
Genome position (GRCh38, 1-based): chr1:43,426,097, G>A. VCF-style: chr1-43426097-G-A. GRCh37 (hg19) VCF-style: chr1-43891768-G-A.
Other names: c.2989G>A, p.Gly997Arg (NM_015284.4); short protein forms G997R.
Identifiers: ClinVar variation 1385187 (VCV001385187.5), dbSNP rs776744071, ClinGen allele CA808874.

ClinVar aggregate classification (germline): Uncertain significance (1 of 4 stars; one submission).

Allele frequency attached by ClinVar (database versions not stated): gnomAD exomes below 0.00001; ExAC 0.00001; gnomAD 0.00001; TOPMed 0.00001.
gnomAD v4.1: 2 of 1,614,024 alleles (0.00012%); highest among the groups gnomAD compares: African/African-American, 0.0027%; no homozygotes.

Submission:

Labcorp Genetics (formerly Invitae), Labcorp
Classification: Uncertain significance. Last evaluated: 2021-09-24. Review status: criteria provided, single submitter. Criteria: Invitae Variant Classification Sherloc (09022015). Collection method: clinical testing. Allele origin: germline.
Comment: This sequence change replaces glycine with arginine at codon 997 of the SZT2 protein (p.Gly997Arg). The glycine residue is highly conserved and there is a moderate physicochemical difference between glycine and arginine. This variant is present in population databases (rs776744071, ExAC 0.01%). This variant has not been reported in the literature in individuals with SZT2-related conditions. Algorithms developed to predict the effect of missense changes on protein structure and function (SIFT, PolyPhen-2, Align-GVGD) all suggest that this variant is likely to be disruptive, but these predictions have not been confirmed by published functional studies and their clinical significance is uncertain. In summary, the available evidence is currently insufficient to determine the role of this variant in disease. Therefore, it has been classified as a Variant of Uncertain Significance.